The following is an entry in ClinVar:

ClinVar aggregate classification (germline): Conflicting classifications of pathogenicity. Review status: criteria provided, conflicting classifications (1 of 4 stars). 2 submissions from 2 submitters: Uncertain significance (1); Likely benign (1). Last evaluated 2023-01-01.

Conditions:
Dilated cardiomyopathy 3B (CMD3B). Also called: DMD-Associated Dilated Cardiomyopathy; CMD3B: DMD-Related Dilated Cardiomyopathy; CARDIOMYOPATHY, DILATED, X-LINKED. Identifiers: Orphanet 154, MedGen C3668940, MONDO:0010542, OMIM 302045.

Allele frequency attached by ClinVar (database versions not stated): 1000 Genomes Project 0.00079; TOPMed 0.00088; gnomAD exomes 0.00111; gnomAD 0.00131 and 0.00133.
gnomAD v4.1: 133 of 103,924 alleles (0.13%); highest among the groups gnomAD compares: Non-Finnish European, 0.22%; 1 homozygote.

Submissions (2):

CeGaT Center for Human Genetics Tuebingen
Classification: Likely benign. Last evaluated: 2023-01-01. Review status: criteria provided, single submitter. Criteria: CeGaT Center For Human Genetics Tuebingen Variant Classification Criteria Version 2. Collection method: clinical testing. Allele origin: germline. Affected: yes. Observed: 1 variant allele.
Comment: DMD: BS2

Illumina Laboratory Services, Illumina
Classification: Uncertain significance for Dilated cardiomyopathy 3B. Last evaluated: 2017-04-27. Review status: criteria provided, single submitter. Criteria: ICSL Variant Classification Criteria 13 December 2019. Collection method: clinical testing. Allele origin: germline.

NM_004006.3(DMD):c.*489C>T

Gene: DMD (dystrophin; minus strand). Cytogenetic location: Xp21.2.
Variant type: single nucleotide variant.
Coding change: c.*489C>T on transcript NM_004006.3 (MANE Select); 489 bases downstream of the stop codon, C replaced by T.
Molecular consequence: 3 prime UTR variant.
Genome position (GRCh38, 1-based): chrX:31,121,430, G>A on the plus strand (C>T on the coding strand, the complement: DMD is on the minus strand). VCF-style: chrX-31121430-G-A. GRCh37 (hg19) VCF-style: chrX-31139547-G-A.
Other names: c.*489C>T (NM_000109.4, NM_004009.3, NM_004010.3 and 7 more transcripts); c.*403C>T (NM_004016.3, NM_004018.3, NM_004021.3 and 2 more transcripts).
Identifiers: ClinVar variation 913903 (VCV000913903.28), dbSNP rs45549534, ClinGen allele CA328400705.